The following is an entry in ClinVar:

NM_003227.4(TFR2):c.850-3C>A

Gene: TFR2 (transferrin receptor 2; minus strand). Cytogenetic location: 7q22.1.
Variant type: single nucleotide variant.
Coding change: c.850-3C>A on transcript NM_003227.4 (MANE Select); 3 bases into the intron before coding-DNA position 850, C replaced by A.
Molecular consequence: intron variant.
Genome position (GRCh38, 1-based): chr7:100,632,201, G>T on the plus strand (C>A on the coding strand, the complement: TFR2 is on the minus strand). VCF-style: chr7-100632201-G-T. GRCh37 (hg19) VCF-style: chr7-100229824-G-T.
Other names: c.337-3C>A (NM_001206855.3).
Identifiers: ClinVar variation 5017911 (VCV005017911.1).

ClinVar aggregate classification (germline): Uncertain significance (1 of 4 stars; one submission).

Submission:

GeneDx
Classification: Uncertain significance. Last evaluated: 2026-03-30. Review status: criteria provided, single submitter. Criteria: GeneDx Variant Classification Process June 2021. Collection method: clinical testing. Allele origin: germline.
Comment: Not observed at significant frequency in large population cohorts (gnomAD); In silico analysis supports a deleterious effect on splicing; Has not been previously published as pathogenic or benign to our knowledge